The following is an entry in ClinVar:

NM_000440.3(PDE6A):c.2118del (p.Arg707fs)

Gene: PDE6A (phosphodiesterase 6A; minus strand). Cytogenetic location: 5q32.
Variant type: Deletion.
Coding change: c.2118del on transcript NM_000440.3 (MANE Select); coding-DNA position 2118, one base deleted (A; older notation c.2118delA).
Protein change: p.Arg707fs; shifts the reading frame from arginine 707.
Molecular consequence: frameshift variant.
Genome position (GRCh38, 1-based): chr5:149,883,446, T deleted on the plus strand (A on the coding strand, the reverse complement: PDE6A is on the minus strand). VCF-style (leftmost placement, unchanged base first): chr5-149883445-GT-G. GRCh37 (hg19) VCF-style: chr5-149263008-GT-G.
Other names: short protein forms R707fs.
Identifiers: ClinVar variation 935039 (VCV000935039.8), dbSNP rs1761006182, ClinGen allele CA1139659168.

ClinVar aggregate classification (germline): Pathogenic/Likely pathogenic. Review status: criteria provided, multiple submitters, no conflicts (2 of 4 stars). 2 submissions from 2 submitters: Pathogenic (1); Likely pathogenic (1). Last evaluated 2023-08-04.

Conditions:
PDE6A-related disorder. Also called: PDE6A-related condition.

Allele frequency attached by ClinVar (database versions not stated): gnomAD exomes below 0.00001.

Submissions (2):

Labcorp Genetics (formerly Invitae), Labcorp
Classification: Pathogenic. Last evaluated: 2023-08-04. Review status: criteria provided, single submitter. Criteria: Invitae Variant Classification Sherloc (09022015). Collection method: clinical testing. Allele origin: germline.
Comment: This sequence change creates a premature translational stop signal (p.Arg707Glyfs*8) in the PDE6A gene. It is expected to result in an absent or disrupted protein product. Loss-of-function variants in PDE6A are known to be pathogenic (PMID: 7493036, 22128245, 23847139). This variant is not present in population databases (gnomAD no frequency). This variant has not been reported in the literature in individuals affected with PDE6A-related conditions. ClinVar contains an entry for this variant (Variation ID: 935039). For these reasons, this variant has been classified as Pathogenic.

Blueprint Genetics
Classification: Likely pathogenic for PDE6A-related disorders. Last evaluated: 2021-10-12. Review status: criteria provided, single submitter. Criteria: ACMG Guidelines, 2015. Collection method: clinical testing. Allele origin: germline. Affected: yes. Observed: 1 variant allele.

Literature cited by the submitters: PubMed 7493036 (cited by Labcorp Genetics (formerly Invitae), Labcorp); PubMed 22128245 (cited by Labcorp Genetics (formerly Invitae), Labcorp); PubMed 23847139 (cited by Labcorp Genetics (formerly Invitae), Labcorp).